The following is an entry in ClinVar:

NM_001005242.3(PKP2):c.31G>A (p.Gly11Ser)

Gene: PKP2 (plakophilin 2; minus strand). Cytogenetic location: 12p11.21.
Variant type: single nucleotide variant.
Coding change: c.31G>A on transcript NM_001005242.3 (MANE Select); coding-DNA position 31, G replaced by A.
Protein change: p.Gly11Ser; replaces glycine 11 with serine.
Molecular consequence: missense variant. On other transcripts: 5 prime UTR variant (4).
Genome position (GRCh38, 1-based): chr12:32,896,701, C>T on the plus strand (G>A on the coding strand, the complement: PKP2 is on the minus strand). VCF-style: chr12-32896701-C-T. GRCh37 (hg19) VCF-style: chr12-33049635-C-T.
Other names: c.31G>A, p.Gly11Ser (NM_001407155.1, NM_001407156.1, NM_001407157.1 and 2 more transcripts); c.-796G>A (NM_001407158.1, NM_001407162.1); c.-560G>A (NM_001407159.1, NM_001407160.1); short protein forms G11S.
Identifiers: ClinVar variation 2774113 (VCV002774113.2), dbSNP rs1250140346, ClinGen allele CA384371728.
Genomic context (GRCh38, chr12:32,896,701, plus strand): 5'-CCAGGCTGGAGCTGTCCAGTTGTCCCAGGATCTGCTGGCCCAGGACGGTCCGGATGTAGC[C>T]GTACTCAGCTGGGGCGCCGGGGGCTGCCATGGGGCCGGTGGGGGCGACCGAGCTGCTCGC-3'
Protein context (NP_001005242.2, residues 1-21): MAAPGAPAEY[Gly11Ser]YIRTVLGQQI

ClinVar aggregate classification (germline): Uncertain significance (1 of 4 stars; one submission).

Conditions:
Cardiomyopathy (CMYO). Also called: Cardiomyopathies. Identifiers: Orphanet 167848, MedGen C0878544, MONDO:0004994, HP:0001638. Inheritance: Various modes of inheritance.

Submission:

Color Diagnostics, LLC DBA Color Health
Classification: Uncertain significance for Cardiomyopathy. Last evaluated: 2024-03-06. Review status: criteria provided, single submitter. Criteria: ACMG Guidelines, 2015. Collection method: clinical testing. Allele origin: germline.
Comment: This missense variant replaces glycine with serine at codon 11 of the PKP2 protein. Computational prediction suggests that this variant may not impact protein structure and function (internally defined REVEL score threshold <= 0.5, PMID: 27666373). To our knowledge, functional studies have not been reported for this variant. This variant has not been reported in individuals affected with cardiovascular disorders in the literature. This variant has not been identified in the general population by the Genome Aggregation Database (gnomAD). The available evidence is insufficient to determine the role of this variant in disease conclusively. Therefore, this variant is classified as a Variant of Uncertain Significance.